The following is an entry in ClinVar:

NC_012920.1(MT-CYB):m.15449T>C

Gene: MT-CYB (mitochondrially encoded cytochrome b; plus strand).
Variant type: single nucleotide variant.
Genome position: chrM-15449-T-C.
Identifiers: ClinVar variation 693884 (VCV000693884.1), dbSNP rs1603225289, ClinGen allele CA913173902.

ClinVar aggregate classification (germline): Benign (1 of 4 stars; one submission).

Conditions:
Leigh syndrome (NULS). Also called: Leigh's necrotizing encephalopathy; Leigh's disease; Leigh's syndrome; LEIGH SYNDROME, NUCLEAR; Leigh Syndrome (mtDNA deletion); Leigh Disease. Identifiers: Orphanet 506, MedGen C2931891, MONDO:0009723, OMIM 256000.

Submission:

Wong Mito Lab, Molecular and Human Genetics, Baylor College of Medicine
Classification: Benign for Leigh syndrome. Last evaluated: 2019-10-17. Review status: criteria provided, single submitter. Criteria: Modified ACMG Guidelines (Unpublished). Collection method: clinical testing. Allele origin: germline.
Comment: The NC_012920.1:m.15449T>C (YP_003024038.1:p.Phe235Leu) variant in MTCYB gene is interpretated to be a Benign variant based on the modified ACMG guidelines (unpublished). This variant meets the following evidence codes: BS1, BS2, BP4